The following is an entry in ClinVar:

NM_004364.5(CEBPA):c.-1C>T

Genes: CEBPA (CCAAT enhancer binding protein alpha; minus strand), LOC130064183 (ATAC-STARR-seq lymphoblastoid silent region 10495; plus strand). Cytogenetic location: 19q13.11.
Variant type: single nucleotide variant.
Coding change: c.-1C>T on transcript NM_004364.5 (MANE Select); 1 bases upstream of the start codon, C replaced by T.
Molecular consequence: 5 prime UTR variant. On other transcripts: synonymous variant (1).
Genome position (GRCh38, 1-based): chr19:33,302,415, G>A on the plus strand (C>T on the coding strand, the complement: CEBPA is on the minus strand). VCF-style: chr19-33302415-G-A. GRCh37 (hg19) VCF-style: chr19-33793321-G-A.
Other names: c.-358C>T (NM_001285829.2); c.105C>T, p.Pro35= (NM_001287424.2); c.-43C>T (NM_001287435.2).
Identifiers: ClinVar variation 3999971 (VCV003999971.1).
Genomic context (GRCh38, chr19:33,302,415, plus strand): 5'-CTGCAGGTGGCTGCTCATCGGGGGCCGCGGCTCCGCCTCGTAGAAGTCGGCCGACTCCAT[G>A]GGGGAGTTAGAGTTCTCCCGGCATGGCGAGCCTCGGCGGCCTCCAGCCTGCGCGGGGCGT-3'

ClinVar aggregate classification (germline): Uncertain significance (1 of 4 stars; one submission).

Conditions:
Inborn genetic diseases. Identifiers: MedGen C0950123, MeSH D030342.

Submission:

Ambry Genetics
Classification: Uncertain significance for Inborn genetic diseases. Last evaluated: 2025-04-17. Review status: criteria provided, single submitter. Criteria: Ambry Variant Classification Scheme 2023. Collection method: clinical testing. Allele origin: germline.
Comment: The c.-1C>T variant is located in the 5' untranslated region (5&rsquo;UTR) of the CEBPA gene. This variant results from a C to T substitution 1 bases upstream from the first translated codon. This nucleotide position is well conserved in available vertebrate species. Based on the available evidence, the clinical significance of this variant remains unclear.